The following is an entry in ClinVar:

ClinVar aggregate classification (germline): Uncertain significance (1 of 4 stars; one submission).

Conditions:
FOXJ1-related disorder. Also called: FOXJ1-related condition.

Submission:

PreventionGenetics, part of Exact Sciences
Classification: Uncertain significance for FOXJ1-related condition. Last evaluated: 2025-02-28. Review status: criteria provided, single submitter. Criteria: ACMG Guidelines, 2015. Collection method: clinical testing. Allele origin: germline.
Comment: The FOXJ1 c.580T>G variant is predicted to result in the amino acid substitution p.Phe194Val. To our knowledge, this variant has not been reported in the literature or in a large population database (gnomAD), indicating this variant is rare. At this time, the clinical significance of this variant is uncertain due to the absence of conclusive functional and genetic evidence.

NM_001454.4(FOXJ1):c.580T>G (p.Phe194Val)

Gene: FOXJ1 (forkhead box J1; minus strand). Cytogenetic location: 17q25.1.
Variant type: single nucleotide variant.
Coding change: c.580T>G on transcript NM_001454.4 (MANE Select); coding-DNA position 580, T replaced by G.
Protein change: p.Phe194Val; replaces phenylalanine 194 with valine.
Molecular consequence: missense variant.
Genome position (GRCh38, 1-based): chr17:76,138,039, A>C on the plus strand (T>G on the coding strand, the complement: FOXJ1 is on the minus strand). VCF-style: chr17-76138039-A-C. GRCh37 (hg19) VCF-style: chr17-74134120-A-C.
Other names: short protein forms F194V.
Identifiers: ClinVar variation 4996991 (VCV004996991.1).